The following is an entry in ClinVar:

ClinVar aggregate classification (germline): Conflicting classifications of pathogenicity. Review status: criteria provided, conflicting classifications (1 of 4 stars). 4 submissions from 4 submitters: Uncertain significance (2); Likely benign (2). Last evaluated 2025-07-22.

Conditions:
Microcephaly 15, primary, autosomal recessive (NEDMISBA). Also called: NEURODEVELOPMENTAL DISORDER WITH PROGRESSIVE MICROCEPHALY, SPASTICITY, AND BRAIN IMAGING ABNORMALITIES. Identifiers: Orphanet 2512, MedGen C4225310, MONDO:0014660, OMIM 616486.

Allele frequency attached by ClinVar (database versions not stated): ExAC 0.00001.
gnomAD v4.1: 8 of 1,555,130 alleles (0.00051%); highest among the groups gnomAD compares: East Asian, 0.0023%; no homozygotes.

Submissions (4):

Labcorp Genetics (formerly Invitae), Labcorp
Classification: Likely benign. Last evaluated: 2025-07-22. Review status: criteria provided, single submitter. Criteria: Invitae Variant Classification Sherloc (09022015). Collection method: clinical testing. Allele origin: germline.

CeGaT Center for Human Genetics Tuebingen
Classification: Uncertain significance. Last evaluated: 2025-05-01. Review status: criteria provided, single submitter. Criteria: CeGaT Center For Human Genetics Tuebingen Variant Classification Criteria Version 2. Collection method: clinical testing. Allele origin: germline. Affected: yes. Observed: 1 variant allele.
Comment: MFSD2A: PM2, BP4

Blueprint Genetics
Classification: Likely benign. Last evaluated: 2024-10-21. Review status: criteria provided, single submitter. Criteria: ACMG Guidelines, 2015. Collection method: clinical testing. Allele origin: germline.

Victorian Clinical Genetics Services, Murdoch Childrens Research Institute
Classification: Uncertain significance for Microcephaly 15, primary, autosomal recessive. Last evaluated: 2019-08-28. Review status: criteria provided, single submitter. Criteria: ACMG Guidelines, 2015. Collection method: clinical testing. Allele origin: germline. Inheritance: Autosomal recessive inheritance.
Comment: A heterozygous splice-site variant, NM_032793.4(MFSD2A):c.228+8G>A, has been identified in intron 2 of 13 of the MFSD2A gene. The effect of this variant on the protein sequence is unknown. The nucleotide at this position has low conservation (Phylop UCSC). This nucleotide substitution is predicted to generate a new donor site (HSF) but is not predicted to cause aberrant splicing of exon in in the MFSD2A gene (FruitFly, NetGene2); further testing via RNA studies are required to confirm if splicing is altered. The variant is present in the gnomAD database at a frequency of 0.0009% (2 heterozygotes, 0 homozygotes) but has not been previously reported in clinical cases. Based on the information available at the time of curation, this variant has been classified as a VARIANT of UNCERTAIN SIGNIFICANCE (VUS) with LOW CLINICAL RELEVANCE.

NM_032793.5(MFSD2A):c.228+8G>A

Gene: MFSD2A (MFSD2 lysolipid transporter A, lysophospholipid; plus strand). Cytogenetic location: 1p34.2.
Variant type: single nucleotide variant.
Coding change: c.228+8G>A on transcript NM_032793.5 (MANE Select); 8 bases into the intron after coding-DNA position 228, G replaced by A.
Molecular consequence: intron variant.
Genome position (GRCh38, 1-based): chr1:39,957,229, G>A. VCF-style: chr1-39957229-G-A. GRCh37 (hg19) VCF-style: chr1-40422901-G-A.
Other names: c.228+8G>A (NM_001136493.3, NM_001349822.2); c.-118+8G>A (NM_001349823.2); c.117+8G>A (NM_001287809.2); c.-116+1844G>A (NM_001287808.2); c.222+8G>A (NM_001349821.2).
Identifiers: ClinVar variation 1806235 (VCV001806235.13), dbSNP rs374629919, ClinGen allele CA788561.